The following is an entry in ClinVar:

ClinVar aggregate classification (germline): Benign (3 of 4 stars; one submission).

Conditions:
Breast-ovarian cancer, familial, susceptibility to, 1 (BROVCA1). Also called: BRCA1 Hereditary Breast and Ovarian Cancer; OVARIAN CANCER, SUSCEPTIBILITY TO. Identifiers: Orphanet 145, MedGen C2676676, MONDO:0011450, OMIM 604370. Disease mechanism: loss of function.

Allele frequency attached by ClinVar (database versions not stated): TOPMed 0.30197; gnomAD 0.31426 and 0.32176; 1000 Genomes Project 30x 0.34760; 1000 Genomes Project 0.35343.

Submission:

Evidence-based Network for the Interpretation of Germline Mutant Alleles (ENIGMA)
Classification: Benign for Breast-ovarian cancer, familial 1. Last evaluated: 2015-01-12. Review status: reviewed by expert panel. Criteria: ENIGMA BRCA1/2 Classification Criteria (2015). Collection method: curation. Allele origin: germline.
Comment: Class 1 not pathogenic based on frequency >1% in an outbred sampleset. Frequency 0.3269 (Asian), 0.2215 (African), 0.3575 (European), derived from 1000 genomes (2012-04-30).

NM_007294.4(BRCA1):c.441+1965T>C

Gene: BRCA1 (BRCA1 DNA repair associated; minus strand). Cytogenetic location: 17q21.31.
Variant type: single nucleotide variant.
Coding change: c.441+1965T>C on transcript NM_007294.4 (MANE Select); 1965 bases into the intron after coding-DNA position 441, T replaced by C.
Molecular consequence: intron variant.
Genome position (GRCh38, 1-based): chr17:43,102,157, A>G on the plus strand (T>C on the coding strand, the complement: BRCA1 is on the minus strand). VCF-style: chr17-43102157-A-G. GRCh37 (hg19) VCF-style: chr17-41254174-A-G.
Other names: IVS 7+1965T>C; c.300+1965T>C (NM_001408458.1, NM_001407931.1, NM_001407747.1 and 99 more transcripts); c.-218-7297T>C (NM_001407967.1, NM_001407966.1); c.60+1965T>C (NM_001407959.1, NM_001407962.1, NM_001408512.1 and 4 more transcripts); c.231+1965T>C (NM_001407885.1, NM_001407886.1, NM_001407898.1 and 58 more transcripts); c.441+1965T>C (NM_001407686.1, NM_001408397.1, NM_001407632.1 and 164 more transcripts); c.309+1965T>C (NM_001408451.1); c.363+1965T>C (NM_001408475.1, NM_001407875.1, NM_001407659.1 and 21 more transcripts); and 1 more.
Identifiers: ClinVar variation 209478 (VCV000209478.2), dbSNP rs10445320, ClinGen allele CA276448.